The following is an entry in ClinVar:

ClinVar aggregate classification (germline): Uncertain significance (1 of 4 stars; one submission).

Conditions:
Leber congenital amaurosis 7 (LCA7). Identifiers: Orphanet 65, MedGen C3151192, MONDO:0013449, OMIM 613829.
Cone-rod dystrophy 2 (CORD2). Also called: CONE-ROD RETINAL DYSTROPHY; Cone-rod retinal dystrophy 2. Identifiers: Orphanet 1872, MedGen C3489532, MONDO:0007362, OMIM 120970.

Allele frequency attached by ClinVar (database versions not stated): TOPMed 0.00001.

Submission:

Labcorp Genetics (formerly Invitae), Labcorp
Classification: Uncertain significance for Cone-rod dystrophy 2; Leber congenital amaurosis 7. Last evaluated: 2025-11-27. Review status: criteria provided, single submitter. Criteria: Invitae Variant Classification Sherloc (09022015). Collection method: clinical testing. Allele origin: germline.
Comment: This sequence change replaces arginine, which is basic and polar, with lysine, which is basic and polar, at codon 126 of the CRX protein (p.Arg126Lys). This variant is not present in population databases (gnomAD no frequency). This missense change has been observed in individual(s) with clinical features of retinal dystrophy (internal data). ClinVar contains an entry for this variant (Variation ID: 1410569). Invitae Evidence Modeling of protein sequence and biophysical properties (such as structural, functional, and spatial information, amino acid conservation, physicochemical variation, residue mobility, and thermodynamic stability) indicates that this missense variant is not expected to disrupt CRX protein function with a negative predictive value of 95%. In summary, the available evidence is currently insufficient to determine the role of this variant in disease. Therefore, it has been classified as a Variant of Uncertain Significance.

NM_000554.6(CRX):c.377G>A (p.Arg126Lys)

Gene: CRX (cone-rod homeobox; plus strand). Cytogenetic location: 19q13.33.
Variant type: single nucleotide variant.
Coding change: c.377G>A on transcript NM_000554.6 (MANE Select); coding-DNA position 377, G replaced by A.
Protein change: p.Arg126Lys; replaces arginine 126 with lysine.
Molecular consequence: missense variant.
Genome position (GRCh38, 1-based): chr19:47,839,444, G>A. VCF-style: chr19-47839444-G-A. GRCh37 (hg19) VCF-style: chr19-48342701-G-A.
Other names: short protein forms R126K.
Identifiers: ClinVar variation 1410569 (VCV001410569.8), dbSNP rs1299569341, ClinGen allele CA406630520.